The following is an entry in ClinVar:

NM_000548.5(TSC2):c.2838-4A>G

Gene: TSC2 (TSC complex subunit 2; plus strand). Cytogenetic location: 16p13.3.
Variant type: single nucleotide variant.
Coding change: c.2838-4A>G on transcript NM_000548.5 (MANE Select); 4 bases into the intron before coding-DNA position 2838, A replaced by G.
Molecular consequence: intron variant.
Genome position (GRCh38, 1-based): chr16:2,077,594, A>G. VCF-style: chr16-2077594-A-G. GRCh37 (hg19) VCF-style: chr16-2127595-A-G.
Other names: p.?; c.2838-4A>G (NM_000548.4, NM_001114382.3); c.2837+1009A>G (NM_021055.3, NM_001370405.1, NM_001363528.2 and 2 more transcripts); c.2726+1009A>G (NM_001318827.2); c.2237+1009A>G (NM_001318831.2); c.2690+1009A>G (NM_001318829.2); c.2870+1009A>G (NM_001318832.2).
Identifiers: ClinVar variation 49718 (VCV000049718.64), dbSNP rs45517272, ClinGen allele CA018273.

ClinVar aggregate classification (germline): Benign/Likely benign. Review status: criteria provided, multiple submitters, no conflicts (2 of 4 stars). 19 submissions from 19 submitters: Benign (6); Likely benign (9). 4 of the submissions do not count toward it. Last evaluated 2026-08-01.

Conditions:
Tuberous sclerosis 2 (TSC2). Identifiers: Orphanet 805, MedGen C1860707, MONDO:0013199, OMIM 613254.
Lymphangiomyomatosis (LAM). Also called: Lymphangioleiomyomatosis; Lymphangioleiomyomatosis, somatic. Identifiers: Orphanet 538, MedGen C0751674, MONDO:0011705, OMIM 606690.
Isolated focal cortical dysplasia type II (FCORD2). Also called: Focal cortical dysplasia type II; CORTICAL DYSPLASIA OF TAYLOR. Identifiers: Orphanet 268994, MedGen C1846385, MONDO:0011818, OMIM 607341, HP:0032051.
Hereditary cancer-predisposing syndrome. Also called: Neoplastic Syndromes, Hereditary; Tumor predisposition; Hereditary Cancer Syndrome; Hereditary neoplastic syndrome. Identifiers: Orphanet 140162, MedGen C0027672, MeSH D009386, MONDO:0015356.
Tuberous sclerosis syndrome (TSC). Also called: Tuberous Sclerosis Complex; Tuberous sclerosis. Identifiers: Orphanet 805, MedGen C0041341, MONDO:0001734.

Allele frequency attached by ClinVar (database versions not stated): gnomAD 0.00084 and 0.00085; gnomAD exomes 0.00084 and 0.00128; 1000 Genomes Project 0.00040; 1000 Genomes Project 30x 0.00047; ESP Exome Variant Server 0.00077; ExAC 0.00084; TOPMed 0.00084.
gnomAD v4.1: 1,980 of 1,612,712 alleles (0.12%); highest among the groups gnomAD compares: Middle Eastern, 0.15%; 4 homozygotes.

Submissions (19):

CeGaT Center for Human Genetics Tuebingen
Classification: Likely benign. Last evaluated: 2026-08-01. Review status: criteria provided, single submitter. Criteria: CeGaT Center For Human Genetics Tuebingen Variant Classification Criteria Version 2. Collection method: clinical testing. Allele origin: germline. Affected: yes. Observed: 18 variant alleles.
Comment: TSC2: BP4, BS1

Labcorp Genetics (formerly Invitae), Labcorp
Classification: Benign for Tuberous sclerosis 2. Last evaluated: 2026-02-03. Review status: criteria provided, single submitter. Criteria: Invitae Variant Classification Sherloc (09022015). Collection method: clinical testing. Allele origin: germline.

Mayo Clinic Laboratories, Mayo Clinic
Classification: Likely benign. Last evaluated: 2025-10-24. Review status: criteria provided, single submitter. Criteria: ACMG Guidelines, 2015. Collection method: clinical testing. Allele origin: germline. Observed: 2 variant alleles.
Comment: BS1, BP4, BP7

Myriad Genetics, Inc.
Classification: Benign for Tuberous sclerosis 2. Last evaluated: 2025-05-27. Review status: criteria provided, single submitter. Criteria: Myriad Autosomal Dominant, Autosomal Recessive and X-Linked Classification Criteria (2023). Collection method: clinical testing. Allele origin: unknown.
Comment: This variant is considered benign. This variant is intronic and is not expected to impact mRNA splicing. This variant has been observed at a population frequency that is significantly greater than expected given the associated disease prevalence and penetrance.

Laboratory of Genetics, Children's Clinical University Hospital Latvia
Classification: Likely benign. Last evaluated: 2025-02-16. Review status: criteria provided, single submitter. Criteria: ACMG Guidelines, 2015. Collection method: clinical testing. Allele origin: germline. Affected: yes.

Blueprint Genetics
Classification: Likely benign. Last evaluated: 2024-11-26. Review status: criteria provided, single submitter. Criteria: ACMG Guidelines, 2015. Collection method: clinical testing. Allele origin: germline.

KCCC/NGS Laboratory, Kuwait Cancer Control Center
Classification: Benign for Tuberous sclerosis 2. Last evaluated: 2023-07-07. Review status: criteria provided, single submitter. Criteria: ACMG Guidelines, 2015. Collection method: clinical testing. Allele origin: germline. Affected: yes.

Color Diagnostics, LLC DBA Color Health
Classification: Benign for Tuberous sclerosis syndrome. Last evaluated: 2022-09-20. Review status: criteria provided, single submitter. Criteria: ACMG Guidelines, 2015. Collection method: clinical testing. Allele origin: germline.

Genome-Nilou Lab
Classification: Benign for Tuberous sclerosis 2. Last evaluated: 2021-11-07. Review status: criteria provided, single submitter. Criteria: ACMG Guidelines, 2015. Collection method: clinical testing. Allele origin: germline. Affected: no.

Fulgent Genetics
Classification: Likely benign for Lymphangiomyomatosis; Isolated focal cortical dysplasia type II; Tuberous sclerosis 2. Last evaluated: 2021-10-12. Review status: criteria provided, single submitter. Criteria: ACMG Guidelines, 2015. Collection method: clinical testing. Allele origin: unknown.

Sema4
Classification: Likely benign for Hereditary cancer-predisposing syndrome. Last evaluated: 2021-02-03. Review status: criteria provided, single submitter. Criteria: Sema4 Curation Guidelines. Collection method: curation. Allele origin: germline.

Ambry Genetics
Classification: Likely benign for Hereditary cancer-predisposing syndrome. Last evaluated: 2018-12-27. Review status: criteria provided, single submitter. Criteria: Ambry Variant Classification Scheme 2023. Collection method: clinical testing. Allele origin: germline.

Illumina Laboratory Services, Illumina
Classification: Likely benign for Tuberous sclerosis syndrome. Last evaluated: 2018-01-13. Review status: criteria provided, single submitter. Criteria: ICSL Variant Classification Criteria 13 December 2019. Collection method: clinical testing. Allele origin: germline.
Comment: This variant was observed in the ICSL laboratory as part of a predisposition screen in an ostensibly healthy population. It had not been previously curated by ICSL or reported in the Human Gene Mutation Database (HGMD: prior to June 1st, 2018), and was therefore a candidate for classification through an automated scoring system. Utilizing variant allele frequency, disease prevalence and penetrance estimates, and inheritance mode, an automated score was calculated to assess if this variant is too frequent to cause the disease. Based on the score and internal cut-off values, a variant classified as likely benign is not then subjected to further curation. The score for this variant resulted in a classification of likely benign for this disease.

GeneDx
Classification: Benign. Last evaluated: 2013-04-12. Review status: criteria provided, single submitter. Criteria: GeneDx Variant Classification (06012015). Collection method: clinical testing. Allele origin: germline. Affected: yes.
Comment: This variant is considered likely benign or benign based on one or more of the following criteria: it is a conservative change, it occurs at a poorly conserved position in the protein, it is predicted to be benign by multiple in silico algorithms, and/or has population frequency not consistent with disease.

PreventionGenetics, part of Exact Sciences
Classification: Likely benign. Review status: criteria provided, single submitter. Criteria: ACMG Guidelines, 2015. Collection method: clinical testing. Allele origin: germline.

Clinical Genetics DNA and cytogenetics Diagnostics Lab, Erasmus MC, Erasmus Medical Center
Classification: Likely benign. Review status: no assertion criteria provided. Collection method: clinical testing. Allele origin: germline. Affected: yes. Study: VKGL Data-share Consensus. Not counted in ClinVar's aggregate classification.

Clinical Genetics, Academic Medical Center
Classification: Likely benign. Review status: no assertion criteria provided. Collection method: clinical testing. Allele origin: germline. Affected: yes. Study: VKGL Data-share Consensus. Not counted in ClinVar's aggregate classification.

Diagnostic Laboratory, Department of Genetics, University Medical Center Groningen
Classification: Likely benign. Review status: no assertion criteria provided. Collection method: clinical testing. Allele origin: germline. Affected: yes. Study: VKGL Data-share Consensus. Not counted in ClinVar's aggregate classification.

Tuberous sclerosis database (TSC2)
No classification provided. Condition: TSC. Review status: no classification provided. Criteria: Tuberous Sclerosis Database Assertion Criteria 2015. Collection method: curation. Allele origin: germline. Affected: yes. Not counted in ClinVar's aggregate classification.